The following is an entry in ClinVar:

ClinVar aggregate classification (germline): Uncertain significance (1 of 4 stars; one submission).

Allele frequency attached by ClinVar (database versions not stated): TOPMed 0.00001.
gnomAD v4.1: 1 of 1,614,044 alleles (0.000062%); highest among the groups gnomAD compares: Admixed American, 0.0017%; no homozygotes.

Submission:

GeneDx
Classification: Uncertain significance. Last evaluated: 2024-04-22. Review status: criteria provided, single submitter. Criteria: GeneDx Variant Classification Process June 2021. Collection method: clinical testing. Allele origin: germline. Affected: yes.
Comment: Not observed at significant frequency in large population cohorts (gnomAD); In silico analysis indicates that this missense variant does not alter protein structure/function; Has not been previously published as pathogenic or benign to our knowledge

NM_198525.3(KIF7):c.3286A>T (p.Thr1096Ser)

Gene: KIF7 (kinesin family member 7; minus strand). Cytogenetic location: 15q26.1.
Variant type: single nucleotide variant.
Coding change: c.3286A>T on transcript NM_198525.3 (MANE Select); coding-DNA position 3286, A replaced by T.
Protein change: p.Thr1096Ser; replaces threonine 1096 with serine.
Molecular consequence: missense variant.
Genome position (GRCh38, 1-based): chr15:89,630,319, T>A on the plus strand (A>T on the coding strand, the complement: KIF7 is on the minus strand). VCF-style: chr15-89630319-T-A. GRCh37 (hg19) VCF-style: chr15-90173550-T-A.
Other names: short protein forms T1096S.
Identifiers: ClinVar variation 3252186 (VCV003252186.1), dbSNP rs1567057796.